The following is an entry in ClinVar:

ClinVar aggregate classification (germline): Uncertain significance (1 of 4 stars; one submission).

Allele frequency attached by ClinVar (database versions not stated): gnomAD exomes 0.00002.

Submission:

Labcorp Genetics (formerly Invitae), Labcorp
Classification: Uncertain significance. Last evaluated: 2022-11-10. Review status: criteria provided, single submitter. Criteria: Invitae Variant Classification Sherloc (09022015). Collection method: clinical testing. Allele origin: germline.
Comment: In summary, the available evidence is currently insufficient to determine the role of this variant in disease. Therefore, it has been classified as a Variant of Uncertain Significance. Variants that disrupt the consensus splice site are a relatively common cause of aberrant splicing (PMID: 17576681, 9536098). Algorithms developed to predict the effect of sequence changes on RNA splicing suggest that this variant is not likely to affect RNA splicing. This variant has not been reported in the literature in individuals affected with SZT2-related conditions. This variant is present in population databases (no rsID available, gnomAD 0.002%). This sequence change falls in intron 57 of the SZT2 gene. It does not directly change the encoded amino acid sequence of the SZT2 protein. It affects a nucleotide within the consensus splice site.

Literature cited by the submitters: PubMed 17576681; PubMed 9536098.

NM_001365999.1(SZT2):c.8151+6del

Gene: SZT2 (SZT2 subunit of KICSTOR complex; plus strand). Cytogenetic location: 1p34.2.
Variant type: Deletion.
Coding change: c.8151+6del on transcript NM_001365999.1 (MANE Select); 6 bases into the intron after coding-DNA position 8151, one base deleted (T; older notation c.8151+6delT).
Molecular consequence: intron variant.
Genome position (GRCh38, 1-based): chr1:43,442,624, T deleted. VCF-style (leftmost placement, unchanged base first): chr1-43442623-CT-C. GRCh37 (hg19) VCF-style: chr1-43908294-CT-C.
Other names: c.7980+6del (NM_015284.4).
Identifiers: ClinVar variation 2999059 (VCV002999059.1), dbSNP rs1557593935, ClinGen allele CA522806500.
Genomic context (GRCh38, chr1:43,442,623, plus strand): 5'-AGCTTGGCCTCTTCCATCATTATGGCCAGTTGGACTTCCCCGTGCGAGATGAAAAGGTGC[CT>C]GCTGCTCTGGTTCTTCCTATAGTTTTGGCTACTGAGGGGTCAGTTAAAGGAAAAACCAGC-3'